The following is an entry in ClinVar:

NM_001170629.2(CHD8):c.1006A>G (p.Lys336Glu)

Gene: CHD8 (chromodomain helicase DNA binding protein 8; minus strand). Cytogenetic location: 14q11.2.
Variant type: single nucleotide variant.
Coding change: c.1006A>G on transcript NM_001170629.2 (MANE Select); coding-DNA position 1006, A replaced by G.
Protein change: p.Lys336Glu; replaces lysine 336 with glutamic acid.
Molecular consequence: missense variant.
Genome position (GRCh38, 1-based): chr14:21,429,173, T>C on the plus strand (A>G on the coding strand, the complement: CHD8 is on the minus strand). VCF-style: chr14-21429173-T-C. GRCh37 (hg19) VCF-style: chr14-21897332-T-C.
Other names: c.169A>G, p.Lys57Glu (NM_020920.4); short protein forms K336E, K57E.
Identifiers: ClinVar variation 4851467 (VCV004851467.1).

ClinVar aggregate classification (germline): Uncertain significance (1 of 4 stars; one submission).

Conditions:
Paediatric disorders.

gnomAD v4.1: 1 of 1,614,000 alleles (0.000062%); highest among the groups gnomAD compares: Non-Finnish European, 0.000085%; no homozygotes.

Submission:

North West Genomic Laboratory Hub, Manchester University NHS Foundation Trust
Classification: Uncertain significance for Paediatric disorders. Last evaluated: 2026-04-27. Review status: criteria provided, single submitter. Criteria: ACGS Best Practice Guidelines for Variant Classification in Rare Disease 2024. Collection method: clinical testing. Allele origin: germline. Affected: yes.
Comment: PM2_Mod